The following is an entry in ClinVar:

ClinVar aggregate classification (germline): Uncertain significance (1 of 4 stars; one submission).

Conditions:
Wolman disease (WOLD). Also called: Acid cholesteryl ester hydrolase deficiency, Wolman type; Acid lipase disease; LYSOSOMAL ACID LIPASE DEFICIENCY, ACUTE INFANTILE; LYSOSOMAL ACID LIPASE DEFICIENCY, COMPLETE; LIPA DEFICIENCY, COMPLETE; LAL DEFICIENCY, COMPLETE. Identifiers: Orphanet 75233, MedGen C0043208, MONDO:0019148, OMIM 620151.

Submission:

Labcorp Genetics (formerly Invitae), Labcorp
Classification: Uncertain significance for Wolman disease. Last evaluated: 2022-02-04. Review status: criteria provided, single submitter. Criteria: Invitae Variant Classification Sherloc (09022015). Collection method: clinical testing. Allele origin: germline.
Comment: This sequence change falls in intron 8 of the LIPA gene. It does not directly change the encoded amino acid sequence of the LIPA protein. It affects a nucleotide within the consensus splice site. This variant is not present in population databases (gnomAD no frequency). This variant has not been reported in the literature in individuals affected with LIPA-related conditions. Variants that disrupt the consensus splice site are a relatively common cause of aberrant splicing (PMID: 17576681, 9536098). Algorithms developed to predict the effect of sequence changes on RNA splicing suggest that this variant may disrupt the consensus splice site. In summary, the available evidence is currently insufficient to determine the role of this variant in disease. Therefore, it has been classified as a Variant of Uncertain Significance.

Literature cited by the submitters: PubMed 17576681; PubMed 9536098.

NM_000235.4(LIPA):c.895-3T>A

Gene: LIPA (lipase A, lysosomal acid type; minus strand). Cytogenetic location: 10q23.31.
Variant type: single nucleotide variant.
Coding change: c.895-3T>A on transcript NM_000235.4 (MANE Select); 3 bases into the intron before coding-DNA position 895, T replaced by A.
Molecular consequence: intron variant.
Genome position (GRCh38, 1-based): chr10:89,216,012, A>T on the plus strand (T>A on the coding strand, the complement: LIPA is on the minus strand). VCF-style: chr10-89216012-A-T. GRCh37 (hg19) VCF-style: chr10-90975769-A-T.
Other names: c.547-3T>A (NM_001288979.2); c.895-3T>A (NM_001127605.3).
Identifiers: ClinVar variation 1896674 (VCV001896674.2), dbSNP rs1166181190, ClinGen allele CA1926730371.